The following is an entry in ClinVar:

ClinVar aggregate classification (germline): Benign/Likely benign. Review status: criteria provided, multiple submitters, no conflicts (2 of 4 stars). 4 submissions from 4 submitters: Benign (1); Likely benign (2). 1 of the submissions does not count toward it. Last evaluated 2026-02-04.

Conditions:
COL1A1-related disorder. Also called: COL1A1-related condition; COL1A1- related disease.
Osteogenesis imperfecta type I (OI1). Also called: OI, TYPE I; OSTEOGENESIS IMPERFECTA TARDA; OSTEOGENESIS IMPERFECTA WITH BLUE SCLERAE; Osteogenesis imperfecta type 1; Classic Non-deforming Osteogenesis Imperfecta with Blue Sclerae; Lobstein's Disease. Identifiers: Orphanet 216796, Orphanet 666, MedGen C0023931, MONDO:0008146, OMIM 166200. Disease mechanism: loss of function.

Submissions (4):

Labcorp Genetics (formerly Invitae), Labcorp
Classification: Benign for Osteogenesis imperfecta type I. Last evaluated: 2026-02-04. Review status: criteria provided, single submitter. Criteria: Invitae Variant Classification Sherloc (09022015). Collection method: clinical testing. Allele origin: germline.

Women's Health and Genetics/Laboratory Corporation of America, LabCorp
Classification: Likely benign. Last evaluated: 2025-07-24. Review status: criteria provided, single submitter. Criteria: LabCorp Variant Classification Summary - May 2015. Collection method: clinical testing. Allele origin: germline.
Comment: Variant summary: COL1A1 c.3046-6_3046-5dupCT alters a non-conserved nucleotide located at a position not widely known to affect splicing. Consensus agreement among computation tools predict no significant impact on normal splicing. However, these predictions have yet to be confirmed by functional studies. The frequency data for this variant in gnomAD is considered unreliable, as metrics indicate poor data quality at this position. To our knowledge, no occurrence of c.3046-6_3046-5dupCT in individuals affected with Osteogenesis imperfecta type I and no experimental evidence demonstrating its impact on protein function have been reported. ClinVar contains an entry for this variant (Variation ID: 456762). Based on the evidence outlined above, the variant was classified as likely benign.

Blueprint Genetics
Classification: Likely benign. Last evaluated: 2024-10-24. Review status: criteria provided, single submitter. Criteria: ACMG Guidelines, 2015. Collection method: clinical testing. Allele origin: germline.

PreventionGenetics, part of Exact Sciences
Classification: Likely benign for COL1A1-related condition. Last evaluated: 2019-03-16. Review status: no assertion criteria provided. Collection method: clinical testing. Allele origin: germline. Not counted in ClinVar's aggregate classification.
Comment: This variant is classified as likely benign based on ACMG/AMP sequence variant interpretation guidelines (Richards et al. 2015 PMID: 25741868, with internal and published modifications).

NM_000088.4(COL1A1):c.3046-20CT[9]

Gene: COL1A1 (collagen type I alpha 1 chain; minus strand). Cytogenetic location: 17q21.33.
Variant type: Microsatellite.
Coding change: c.3046-20CT[9] on transcript NM_000088.4 (MANE Select); nine copies in a row of the 2-base unit CT starting at c.3046-20; the reference has eight copies in a row; one copy, 2 bases duplicated.
Molecular consequence: intron variant.
Genome position (GRCh38, 1-based): chr17:50,188,800-50,188,801, AG duplicated on the plus strand (CT on the coding strand, the reverse complement: COL1A1 is on the minus strand); duplicating any 2 consecutive bases within chr17:50,188,800-50,188,816 gives the same sequence; the position shown is the placement nearest the transcript's 3' end. VCF-style (leftmost placement, unchanged base first): chr17-50188799-C-CAG. GRCh37 (hg19) VCF-style: chr17-48266160-C-CAG.
Other names: c.3046-6_3046-5dupCT (NM_000088.3, NM_000088.4).
Identifiers: ClinVar variation 456762 (VCV000456762.15), dbSNP rs138425306, ClinGen allele CA8644593.